The following is an entry in ClinVar:

NM_177402.5(SYT2):c.1187G>A (p.Arg396Gln)

Gene: SYT2 (synaptotagmin 2; minus strand). Cytogenetic location: 1q32.1.
Variant type: single nucleotide variant.
Coding change: c.1187G>A on transcript NM_177402.5 (MANE Select); coding-DNA position 1187, G replaced by A.
Protein change: p.Arg396Gln; replaces arginine 396 with glutamine.
Molecular consequence: missense variant.
Genome position (GRCh38, 1-based): chr1:202,596,830, C>T on the plus strand (G>A on the coding strand, the complement: SYT2 is on the minus strand). VCF-style: chr1-202596830-C-T. GRCh37 (hg19) VCF-style: chr1-202565958-C-T.
Other names: c.1187G>A, p.Arg396Gln (NM_001136504.1); short protein forms R396Q.
Identifiers: ClinVar variation 1955333 (VCV001955333.5), dbSNP rs911413010, ClinGen allele CA35575090.

ClinVar aggregate classification (germline): Uncertain significance (1 of 4 stars; one submission).

Allele frequency attached by ClinVar (database versions not stated): gnomAD exomes below 0.00001; gnomAD 0.00002; TOPMed 0.00002.
gnomAD v4.1: 7 of 1,614,030 alleles (0.00043%); highest among the groups gnomAD compares: Admixed American, 0.0017%; no homozygotes.

Submission:

Labcorp Genetics (formerly Invitae), Labcorp
Classification: Uncertain significance. Last evaluated: 2025-10-02. Review status: criteria provided, single submitter. Criteria: Invitae Variant Classification Sherloc (09022015). Collection method: clinical testing. Allele origin: germline.
Comment: This sequence change replaces arginine, which is basic and polar, with glutamine, which is neutral and polar, at codon 396 of the SYT2 protein (p.Arg396Gln). This variant is present in population databases (no rsID available, gnomAD 0.003%). This variant has not been reported in the literature in individuals affected with SYT2-related conditions. ClinVar contains an entry for this variant (Variation ID: 1955333). Invitae Evidence Modeling of protein sequence and biophysical properties (such as structural, functional, and spatial information, amino acid conservation, physicochemical variation, residue mobility, and thermodynamic stability) indicates that this missense variant is expected to disrupt SYT2 protein function with a positive predictive value of 80%. In summary, the available evidence is currently insufficient to determine the role of this variant in disease. Therefore, it has been classified as a Variant of Uncertain Significance.